The following is an entry in ClinVar:

NM_182894.3(VSX2):c.84G>A (p.Arg28=)

Gene: VSX2 (visual system homeobox 2; plus strand). Cytogenetic location: 14q24.3.
Variant type: single nucleotide variant.
Coding change: c.84G>A on transcript NM_182894.3 (MANE Select); coding-DNA position 84, G replaced by A.
Protein change: p.Arg28=; no amino-acid change (arginine 28 retained).
Molecular consequence: synonymous variant.
Genome position (GRCh38, 1-based): chr14:74,239,645, G>A. VCF-style: chr14-74239645-G-A. GRCh37 (hg19) VCF-style: chr14-74706348-G-A.
Other names: c.84G>A (NM_182894.2).
Identifiers: ClinVar variation 1987034 (VCV001987034.6), dbSNP rs2079135011, ClinGen allele CA487265086.
Genomic context (GRCh38, chr14:74,239,645, plus strand): 5'-GCTGAGCAAGCCCAAATCCGAGACAGTGGCCAAGAGTACCTCGGGGGGCGCCCCGGCCAG[G>A]TGCACTGGGTTCGGCATCCAGGAGATCCTGGGCTTGAACAAGGAGCCCCCGAGCTCCCAC-3'
Protein context (NP_878314.1, residues 18-38): AKSTSGGAPA[Arg28=]CTGFGIQEIL

ClinVar aggregate classification (germline): Likely benign. Review status: criteria provided, single submitter (1 of 4 stars). 2 submissions from 2 submitters: Likely benign (1). 1 of the submissions does not count toward it. Last evaluated 2023-01-27.

Conditions:
VSX2-related disorder. Also called: VSX2-related condition.
Isolated microphthalmia 2. Identifiers: Orphanet 2542, MedGen C1864720, MONDO:0012409, OMIM 610093.

Allele frequency attached by ClinVar (database versions not stated): gnomAD exomes below 0.00001; TOPMed below 0.00001; gnomAD 0.00001.

Submissions (2):

Labcorp Genetics (formerly Invitae), Labcorp
Classification: Likely benign for Isolated microphthalmia 2. Last evaluated: 2023-01-27. Review status: criteria provided, single submitter. Criteria: Invitae Variant Classification Sherloc (09022015). Collection method: clinical testing. Allele origin: germline.

PreventionGenetics, part of Exact Sciences
Classification: Likely benign for VSX2-related condition. Last evaluated: 2019-08-20. Review status: no assertion criteria provided. Collection method: clinical testing. Allele origin: germline. Not counted in ClinVar's aggregate classification.
Comment: This variant is classified as likely benign based on ACMG/AMP sequence variant interpretation guidelines (Richards et al. 2015 PMID: 25741868, with internal and published modifications).